The following is an entry in ClinVar:

ClinVar aggregate classification (germline): Uncertain significance (1 of 4 stars; one submission).

Conditions:
Familial cancer of breast. Also called: BREAST CANCER, FAMILIAL; Hereditary breast cancer; hereditary breast carcinoma. Identifiers: Orphanet 227535, MedGen C0346153, MONDO:0016419, OMIM 114480. Disease mechanism: loss of function.

Submission:

Labcorp Genetics (formerly Invitae), Labcorp
Classification: Uncertain significance for Familial cancer of breast. Last evaluated: 2018-01-20. Review status: criteria provided, single submitter. Criteria: Invitae Variant Classification Sherloc (09022015). Collection method: clinical testing. Allele origin: germline.
Comment: In summary, the available evidence is currently insufficient to determine the role of this variant in disease. Therefore, it has been classified as a Variant of Uncertain Significance. Experimental studies and prediction algorithms are not available for this variant, and the functional significance of the deleted amino acid is currently unknown. This variant has not been reported in the literature in individuals with CHEK2-related disease. This variant is not present in population databases (ExAC no frequency). This variant, c.1404_1407delinsT, is a complex sequence change that results in the deletion of 1 amino acid of the CHEK2 protein (p.Val469del).

NM_007194.4(CHEK2):c.1404_1407delinsT (p.Val469del)

Gene: CHEK2 (checkpoint kinase 2; minus strand). Cytogenetic location: 22q12.1.
Variant type: Indel.
Coding change: c.1404_1407delinsT on transcript NM_007194.4 (MANE Select); coding-DNA positions 1404 to 1407, AGTG replaced by T.
Protein change: p.Val469del; deletes valine 469.
Molecular consequence: inframe deletion. On other transcripts: inframe indel (4).
Genome position (GRCh38, 1-based): chr22:28,694,086-28,694,089, CACT replaced by A on the plus strand (AGTG replaced by T on the coding strand, the reverse complement: CHEK2 is on the minus strand). VCF-style: chr22-28694086-CACT-A. GRCh37 (hg19) VCF-style: chr22-29090074-CACT-A.
Other names: c.1533_1536delAGTGinsT, p.Val512del (NM_001005735.3); c.741_744delAGTGinsT, p.Val248del (NM_001257387.3); c.1203_1206delAGTGinsT, p.Val402del (NM_001349956.3); c.1317_1320delAGTGinsT, p.Val440del (NM_145862.3); short protein forms V440del, V248del, V402del, V512del, V469del.
Identifiers: ClinVar variation 566557 (VCV000566557.6), dbSNP rs1569110334, ClinGen allele CA891844285.
Genomic context (GRCh38, chr22:28,694,086, plus strand): 5'-ACCCACCTGAAGCCACGGGTGTCTTAAGGCTTCTTCTGTCGTAAAACGTGCCTTTGGATC[CACT>A]ACCAACAACTTCTTGACAAGGTCCAGAGCTAAAGCAACAATTGGGCAAATCACAGTGAAA-3'